The following is an entry in ClinVar:

ClinVar aggregate classification (germline): Uncertain significance (0 of 4 stars; one submission).

Conditions:
ARHGAP29-related disorder. Also called: ARHGAP29-Related Disorders; ARHGAP29-related condition.

Submission:

PreventionGenetics, part of Exact Sciences
Classification: Uncertain significance for ARHGAP29-related condition. Last evaluated: 2024-07-06. Review status: no assertion criteria provided. Collection method: clinical testing. Allele origin: germline.
Comment: The ARHGAP29 c.1834dupA variant is predicted to result in a frameshift and premature protein termination (p.Thr612Asnfs*14). To our knowledge, this variant has not been reported in the literature or in a large population database, indicating this variant is rare. A few nonsense and frameshift variants in the ARHGAP29 gene have been reported in association with cleft lip and/or palate (for example, see Leslie et al. 2012. PubMed ID: 23008150; Leslie et al. 2015. PubMed ID: 25704602; Savastano et al. 2017. PubMed ID: 27350171). Although we suspect that this variant may be pathogenic, at this time, the clinical significance of this variant is uncertain due to the absence of conclusive functional and genetic evidence.

NM_004815.4(ARHGAP29):c.1834dup (p.Thr612fs)

Gene: ARHGAP29 (Rho GTPase activating protein 29; minus strand). Cytogenetic location: 1p22.1.
Variant type: Duplication.
Coding change: c.1834dup on transcript NM_004815.4 (MANE Select); coding-DNA position 1834, one base duplicated (A; older notation c.1834dupA).
Protein change: p.Thr612fs; shifts the reading frame from threonine 612.
Molecular consequence: frameshift variant.
Genome position (GRCh38, 1-based): chr1:94,185,428, T duplicated on the plus strand (A on the coding strand, the reverse complement: ARHGAP29 is on the minus strand). VCF-style (leftmost placement, unchanged base first): chr1-94185427-G-GT. GRCh37 (hg19) VCF-style: chr1-94650983-G-GT.
Other names: c.1834dup, p.Thr612fs (NM_001328664.2); c.1642dup, p.Thr548fs (NM_001328665.2, NM_001328667.2); c.1807dup, p.Thr603fs (NM_001328666.2); short protein forms T548fs, T603fs, T612fs.
Identifiers: ClinVar variation 2632162 (VCV002632162.2), dbSNP rs2524245880, ClinGen allele CA2695198064.